The following is an entry in ClinVar:

NM_013275.6(ANKRD11):c.7659C>T (p.Ser2553=)

Gene: ANKRD11 (ankyrin repeat domain containing 11; minus strand). Cytogenetic location: 16q24.3.
Variant type: single nucleotide variant.
Coding change: c.7659C>T on transcript NM_013275.6 (MANE Select); coding-DNA position 7659, C replaced by T.
Protein change: p.Ser2553=; no amino-acid change (serine 2553 retained).
Molecular consequence: synonymous variant.
Genome position (GRCh38, 1-based): chr16:89,274,868, G>A on the plus strand (C>T on the coding strand, the complement: ANKRD11 is on the minus strand). VCF-style: chr16-89274868-G-A. GRCh37 (hg19) VCF-style: chr16-89341276-G-A.
Other names: c.7659C>T, p.Ser2553= (NM_001256182.2, NM_001256183.2).
Identifiers: ClinVar variation 3036819 (VCV003036819.2), dbSNP rs559756815, ClinGen allele CA286505829.
Genomic context (GRCh38, chr16:89,274,868, plus strand): 5'-CCCTACCTGGCTCTCCAGGGGCATGTTGTAGACCTCGGAGTCCAGCAGCATCGTGCAGGC[G>A]CTGAATGGCACTGCCTGGTTGGCGATGGTCCTGGCCGCCCGGCAGTGAACCCGCAGAATC-3'
Protein context (NP_037407.4, residues 2543-2563): RTIANQAVPF[Ser2553=]ACTMLLDSEV

ClinVar aggregate classification (germline): Likely benign (0 of 4 stars; one submission).

Conditions:
ANKRD11-related disorder. Also called: ANKRD11-related condition.

Allele frequency attached by ClinVar (database versions not stated): gnomAD 0.00001; gnomAD exomes 0.00001; TOPMed 0.00002.
gnomAD v4.1: 18 of 1,613,144 alleles (0.0011%); highest among the groups gnomAD compares: African/African-American, 0.004%; no homozygotes.

Submission:

PreventionGenetics, part of Exact Sciences
Classification: Likely benign for ANKRD11-related condition. Last evaluated: 2023-03-26. Review status: no assertion criteria provided. Collection method: clinical testing. Allele origin: germline.
Comment: This variant is classified as likely benign based on ACMG/AMP sequence variant interpretation guidelines (Richards et al. 2015 PMID: 25741868, with internal and published modifications).